The following is an entry in ClinVar:

ClinVar aggregate classification (germline): Uncertain significance (1 of 4 stars; one submission).

Conditions:
Lymphoproliferative syndrome 1 (LPFS1). Identifiers: Orphanet 238505, Orphanet 538963, MedGen C3552634, MONDO:0013081, OMIM 613011.

Allele frequency attached by ClinVar (database versions not stated): gnomAD exomes below 0.00001.
gnomAD v4.1: 1 of 1,587,426 alleles (0.000063%); highest among the groups gnomAD compares: African/African-American, 0.0013%; no homozygotes.

Submission:

Labcorp Genetics (formerly Invitae), Labcorp
Classification: Uncertain significance for Lymphoproliferative syndrome 1. Last evaluated: 2021-11-27. Review status: criteria provided, single submitter. Criteria: Invitae Variant Classification Sherloc (09022015). Collection method: clinical testing. Allele origin: germline.
Comment: This variant is not present in population databases (gnomAD no frequency). In summary, the available evidence is currently insufficient to determine the role of this variant in disease. Therefore, it has been classified as a Variant of Uncertain Significance. Algorithms developed to predict the effect of sequence changes on RNA splicing suggest that this variant may create or strengthen a splice site. This variant has not been reported in the literature in individuals affected with ITK-related conditions. This sequence change affects codon 234 of the ITK mRNA. It is a 'silent' change, meaning that it does not change the encoded amino acid sequence of the ITK protein.

NM_005546.4(ITK):c.702G>A (p.Leu234=)

Gene: ITK (IL2 inducible T cell kinase; plus strand). Cytogenetic location: 5q33.3.
Variant type: single nucleotide variant.
Coding change: c.702G>A on transcript NM_005546.4 (MANE Select); coding-DNA position 702, G replaced by A.
Protein change: p.Leu234=; no amino-acid change (leucine 234 retained).
Molecular consequence: synonymous variant.
Genome position (GRCh38, 1-based): chr5:157,228,350, G>A. VCF-style: chr5-157228350-G-A. GRCh37 (hg19) VCF-style: chr5-156655360-G-A.
Identifiers: ClinVar variation 2004498 (VCV002004498.4), dbSNP rs2480580506, ClinGen allele CA447429119.